The following continues an entry in ClinVar:

NM_001034853.2(RPGR):c.1274G>A (p.Arg425Lys)

Gene: RPGR. ClinVar aggregate classification (germline): Benign. Benign (1).

Submissions 24 to 67 of 67:

Dr. Peter K. Rogan Lab, Western University
No classification provided (evidence only). Condition: Melanoma. Review status: no classification provided. Collection method: in vitro. Allele origin: not applicable. Functional consequence: retained intron. Not counted in ClinVar's aggregate classification.

Dr. Peter K. Rogan Lab, Western University
No classification provided (evidence only). Condition: Melanoma. Review status: no classification provided. Collection method: in vitro. Allele origin: not applicable. Functional consequence: retained intron. Not counted in ClinVar's aggregate classification.

Dr. Peter K. Rogan Lab, Western University
No classification provided (evidence only). Condition: Acute myeloid leukemia. Review status: no classification provided. Collection method: in vitro. Allele origin: not applicable. Functional consequence: retained intron. Not counted in ClinVar's aggregate classification.

Dr. Peter K. Rogan Lab, Western University
No classification provided (evidence only). Condition: Acute myeloid leukemia. Review status: no classification provided. Collection method: in vitro. Allele origin: not applicable. Functional consequence: retained intron. Not counted in ClinVar's aggregate classification.

Dr. Peter K. Rogan Lab, Western University
No classification provided (evidence only). Condition: Acute myeloid leukemia. Review status: no classification provided. Collection method: in vitro. Allele origin: not applicable. Functional consequence: retained intron. Not counted in ClinVar's aggregate classification.

Dr. Peter K. Rogan Lab, Western University
No classification provided (evidence only). Condition: Acute myeloid leukemia. Review status: no classification provided. Collection method: in vitro. Allele origin: not applicable. Functional consequence: retained intron. Not counted in ClinVar's aggregate classification.

Dr. Peter K. Rogan Lab, Western University
No classification provided (evidence only). Condition: Acute myeloid leukemia. Review status: no classification provided. Collection method: in vitro. Allele origin: not applicable. Functional consequence: retained intron. Not counted in ClinVar's aggregate classification.

Dr. Peter K. Rogan Lab, Western University
No classification provided (evidence only). Condition: Acute myeloid leukemia. Review status: no classification provided. Collection method: in vitro. Allele origin: not applicable. Functional consequence: retained intron. Not counted in ClinVar's aggregate classification.

Dr. Peter K. Rogan Lab, Western University
No classification provided (evidence only). Condition: Acute myeloid leukemia. Review status: no classification provided. Collection method: in vitro. Allele origin: not applicable. Functional consequence: retained intron. Not counted in ClinVar's aggregate classification.

Dr. Peter K. Rogan Lab, Western University
No classification provided (evidence only). Condition: Acute myeloid leukemia. Review status: no classification provided. Collection method: in vitro. Allele origin: not applicable. Functional consequence: retained intron. Not counted in ClinVar's aggregate classification.

Dr. Peter K. Rogan Lab, Western University
No classification provided (evidence only). Condition: Colon adenocarcinoma. Review status: no classification provided. Collection method: in vitro. Allele origin: not applicable. Functional consequence: retained intron. Not counted in ClinVar's aggregate classification.

Dr. Peter K. Rogan Lab, Western University
No classification provided (evidence only). Condition: Colon adenocarcinoma. Review status: no classification provided. Collection method: in vitro. Allele origin: not applicable. Functional consequence: retained intron. Not counted in ClinVar's aggregate classification.

Dr. Peter K. Rogan Lab, Western University
No classification provided (evidence only). Condition: Colon adenocarcinoma. Review status: no classification provided. Collection method: in vitro. Allele origin: not applicable. Functional consequence: retained intron. Not counted in ClinVar's aggregate classification.

Dr. Peter K. Rogan Lab, Western University
No classification provided (evidence only). Condition: Colon adenocarcinoma. Review status: no classification provided. Collection method: in vitro. Allele origin: not applicable. Functional consequence: retained intron. Not counted in ClinVar's aggregate classification.

Dr. Peter K. Rogan Lab, Western University
No classification provided (evidence only). Condition: Colorectal cancer. Review status: no classification provided. Collection method: in vitro. Allele origin: not applicable. Functional consequence: retained intron. Not counted in ClinVar's aggregate classification.

Dr. Peter K. Rogan Lab, Western University
No classification provided (evidence only). Condition: Colorectal cancer. Review status: no classification provided. Collection method: in vitro. Allele origin: not applicable. Functional consequence: retained intron. Not counted in ClinVar's aggregate classification.

Dr. Peter K. Rogan Lab, Western University
No classification provided (evidence only). Condition: Colorectal cancer. Review status: no classification provided. Collection method: in vitro. Allele origin: not applicable. Functional consequence: retained intron. Not counted in ClinVar's aggregate classification.

Dr. Peter K. Rogan Lab, Western University
No classification provided (evidence only). Condition: Colorectal cancer. Review status: no classification provided. Collection method: in vitro. Allele origin: not applicable. Functional consequence: retained intron. Not counted in ClinVar's aggregate classification.

Dr. Peter K. Rogan Lab, Western University
No classification provided (evidence only). Condition: Colorectal cancer. Review status: no classification provided. Collection method: in vitro. Allele origin: not applicable. Functional consequence: retained intron. Not counted in ClinVar's aggregate classification.

Dr. Peter K. Rogan Lab, Western University
No classification provided (evidence only). Condition: Colorectal cancer. Review status: no classification provided. Collection method: in vitro. Allele origin: not applicable. Functional consequence: retained intron. Not counted in ClinVar's aggregate classification.

Dr. Peter K. Rogan Lab, Western University
No classification provided (evidence only). Condition: Thymoma. Review status: no classification provided. Collection method: in vitro. Allele origin: not applicable. Functional consequence: retained intron. Not counted in ClinVar's aggregate classification.

Dr. Peter K. Rogan Lab, Western University
No classification provided (evidence only). Condition: Thymoma. Review status: no classification provided. Collection method: in vitro. Allele origin: not applicable. Functional consequence: retained intron. Not counted in ClinVar's aggregate classification.

Dr. Peter K. Rogan Lab, Western University
No classification provided (evidence only). Condition: Thymoma. Review status: no classification provided. Collection method: in vitro. Allele origin: not applicable. Functional consequence: retained intron. Not counted in ClinVar's aggregate classification.

Dr. Peter K. Rogan Lab, Western University
No classification provided (evidence only). Condition: Thymoma. Review status: no classification provided. Collection method: in vitro. Allele origin: not applicable. Functional consequence: retained intron. Not counted in ClinVar's aggregate classification.

Dr. Peter K. Rogan Lab, Western University
No classification provided (evidence only). Condition: Cholangiocarcinoma. Review status: no classification provided. Collection method: in vitro. Allele origin: not applicable. Functional consequence: retained intron. Not counted in ClinVar's aggregate classification.

Dr. Peter K. Rogan Lab, Western University
No classification provided (evidence only). Condition: Adrenocortical carcinoma, hereditary. Review status: no classification provided. Collection method: in vitro. Allele origin: not applicable. Functional consequence: retained intron. Not counted in ClinVar's aggregate classification.

Dr. Peter K. Rogan Lab, Western University
No classification provided (evidence only). Condition: Adrenocortical carcinoma, hereditary. Review status: no classification provided. Collection method: in vitro. Allele origin: not applicable. Functional consequence: retained intron. Not counted in ClinVar's aggregate classification.

Dr. Peter K. Rogan Lab, Western University
No classification provided (evidence only). Condition: Adrenocortical carcinoma, hereditary. Review status: no classification provided. Collection method: in vitro. Allele origin: not applicable. Functional consequence: retained intron. Not counted in ClinVar's aggregate classification.

Dr. Peter K. Rogan Lab, Western University
No classification provided (evidence only). Condition: Uterine carcinosarcoma. Review status: no classification provided. Collection method: in vitro. Allele origin: not applicable. Functional consequence: retained intron. Not counted in ClinVar's aggregate classification.

Dr. Peter K. Rogan Lab, Western University
No classification provided (evidence only). Condition: Uterine carcinosarcoma. Review status: no classification provided. Collection method: in vitro. Allele origin: not applicable. Functional consequence: retained intron. Not counted in ClinVar's aggregate classification.

Dr. Peter K. Rogan Lab, Western University
No classification provided (evidence only). Condition: Uterine carcinosarcoma. Review status: no classification provided. Collection method: in vitro. Allele origin: not applicable. Functional consequence: retained intron. Not counted in ClinVar's aggregate classification.

Dr. Peter K. Rogan Lab, Western University
No classification provided (evidence only). Condition: Uterine carcinosarcoma. Review status: no classification provided. Collection method: in vitro. Allele origin: not applicable. Functional consequence: retained intron. Not counted in ClinVar's aggregate classification.

Dr. Peter K. Rogan Lab, Western University
No classification provided (evidence only). Condition: Uterine carcinosarcoma. Review status: no classification provided. Collection method: in vitro. Allele origin: not applicable. Functional consequence: retained intron. Not counted in ClinVar's aggregate classification.

Dr. Peter K. Rogan Lab, Western University
No classification provided (evidence only). Condition: Uterine carcinosarcoma. Review status: no classification provided. Collection method: in vitro. Allele origin: not applicable. Functional consequence: retained intron. Not counted in ClinVar's aggregate classification.

Dr. Peter K. Rogan Lab, Western University
No classification provided (evidence only). Condition: Uveal melanoma. Review status: no classification provided. Collection method: in vitro. Allele origin: not applicable. Functional consequence: retained intron. Not counted in ClinVar's aggregate classification.

Dr. Peter K. Rogan Lab, Western University
No classification provided (evidence only). Condition: Malignant tumor of esophagus. Review status: no classification provided. Collection method: in vitro. Allele origin: not applicable. Functional consequence: retained intron. Not counted in ClinVar's aggregate classification.

Dr. Peter K. Rogan Lab, Western University
No classification provided (evidence only). Condition: Malignant tumor of esophagus. Review status: no classification provided. Collection method: in vitro. Allele origin: not applicable. Functional consequence: retained intron. Not counted in ClinVar's aggregate classification.

Dr. Peter K. Rogan Lab, Western University
No classification provided (evidence only). Condition: Malignant tumor of esophagus. Review status: no classification provided. Collection method: in vitro. Allele origin: not applicable. Functional consequence: retained intron. Not counted in ClinVar's aggregate classification.

Dr. Peter K. Rogan Lab, Western University
No classification provided (evidence only). Condition: Malignant tumor of esophagus. Review status: no classification provided. Collection method: in vitro. Allele origin: not applicable. Functional consequence: retained intron. Not counted in ClinVar's aggregate classification.

Dr. Peter K. Rogan Lab, Western University
No classification provided (evidence only). Condition: Malignant tumor of esophagus. Review status: no classification provided. Collection method: in vitro. Allele origin: not applicable. Functional consequence: retained intron. Not counted in ClinVar's aggregate classification.

Dr. Peter K. Rogan Lab, Western University
No classification provided (evidence only). Condition: Malignant tumor of esophagus. Review status: no classification provided. Collection method: in vitro. Allele origin: not applicable. Functional consequence: retained intron. Not counted in ClinVar's aggregate classification.

Dr. Peter K. Rogan Lab, Western University
No classification provided (evidence only). Condition: Malignant tumor of esophagus. Review status: no classification provided. Collection method: in vitro. Allele origin: not applicable. Functional consequence: retained intron. Not counted in ClinVar's aggregate classification.

NEI Ophthalmic Genomics Laboratory, National Institutes of Health
No classification provided. Review status: no classification provided. Collection method: not provided. Allele origin: not provided. Not counted in ClinVar's aggregate classification.

Retina International
No classification provided. Review status: no classification provided. Collection method: not provided. Allele origin: unknown. Not counted in ClinVar's aggregate classification.